The following is an entry in ClinVar:

ClinVar aggregate classification (germline): Pathogenic (1 of 4 stars; one submission).

Conditions:
Neurofibromatosis, type 1 (NF1). Also called: Peripheral type neurofibromatosis; VON RECKLINGHAUSEN DISEASE; NEUROFIBROMATOSIS, TYPE I, SOMATIC; Neurofibromatosis, type I. Identifiers: Orphanet 636, MedGen C0027831, MONDO:0018975, OMIM 162200. Disease mechanism: loss of function.

Submission:

Labcorp Genetics (formerly Invitae), Labcorp
Classification: Pathogenic for Neurofibromatosis, type 1. Last evaluated: 2020-07-31. Review status: criteria provided, single submitter. Criteria: Invitae Variant Classification Sherloc (09022015). Collection method: clinical testing. Allele origin: germline.
Comment: For these reasons, this variant has been classified as Pathogenic. Loss-of-function variants in NF1 are known to be pathogenic (PMID: 10712197, 23913538). This variant has not been reported in the literature in individuals with NF1-related disease. This variant is not present in population databases (ExAC no frequency). This sequence change creates a premature translational stop signal (p.Ala308Leufs*9) in the NF1 gene. It is expected to result in an absent or disrupted protein product.

Literature cited by the submitters: PubMed 10712197; PubMed 23913538.

NM_001042492.3(NF1):c.921del (p.Ala308fs)

Gene: NF1 (neurofibromin 1; plus strand). Cytogenetic location: 17q11.2.
Variant type: Deletion.
Coding change: c.921del on transcript NM_001042492.3 (MANE Select); coding-DNA position 921, one base deleted (T; older notation c.921delT).
Protein change: p.Ala308fs; shifts the reading frame from alanine 308.
Molecular consequence: frameshift variant.
Genome position (GRCh38, 1-based): chr17:31,200,454, T deleted; the last of 2 consecutive T bases (chr17:31,200,453-31,200,454); deleting either gives the same sequence. VCF-style (leftmost placement, unchanged base first): chr17-31200452-CT-C. GRCh37 (hg19) VCF-style: chr17-29527470-CT-C.
Other names: c.921delT, p.Ala308Leufs (NM_000267.4); c.921del, p.Ala308fs (NM_001128147.3); short protein forms A308fs.
Identifiers: ClinVar variation 2705119 (VCV002705119.3), dbSNP rs1555610860, ClinGen allele CA2697559669.